The following is an entry in ClinVar:

NM_001127511.3(APC):c.135T>C (p.Arg45=)

Gene: APC (APC regulator of Wnt signaling pathway; plus strand). Cytogenetic location: 5q22.2.
Variant type: single nucleotide variant.
Coding change: c.135T>C on transcript NM_001127511.3; coding-DNA position 135, T replaced by C.
Protein change: p.Arg45=; no amino-acid change (arginine 45 retained).
Molecular consequence: synonymous variant. On other transcripts: 5 prime UTR variant (8), non-coding transcript variant (1), intron variant (5).
Genome position (GRCh38, 1-based): chr5:112,707,852, T>C. VCF-style: chr5-112707852-T-C. GRCh37 (hg19) VCF-style: chr5-112043549-T-C.
Other names: c.-49T>C (NM_001354895.2, NM_001407447.1, NM_001407452.1 and 3 more transcripts); c.135T>C, p.Arg45= (NM_001354897.2, NM_001354902.2, NM_001407446.1); c.-1084T>C (NM_001407470.1, NM_001407472.1); c.-19+203T>C (NM_001407448.1, NM_001407450.1, NM_001407457.1 and 1 more transcripts); c.-43+203T>C (NM_001407453.1).
Identifiers: ClinVar variation 514764 (VCV000514764.3), dbSNP rs1554060306, ClinGen allele CA658796619.
Genomic context (GRCh38, chr5:112,707,852, plus strand): 5'-GAGCACCGGCGGCAGCAGGAGCTGCGTCCGGCAGGAGACGAAGAGCCCGGGCGGCGCTCG[T>C]ACTTCTGGCCACTGGGCGAGCGTCTGGCAGGTGAGTGAGGCTGCAGGCATTGACGTCTCC-3'

ClinVar aggregate classification (germline): Likely benign (1 of 4 stars; one submission).

Submission:

GeneDx
Classification: Likely benign. Last evaluated: 2018-01-11. Review status: criteria provided, single submitter. Criteria: GeneDx Variant Classification (06012015). Collection method: clinical testing. Allele origin: germline. Affected: yes.
Comment: This variant is considered likely benign or benign based on one or more of the following criteria: it is a conservative change, it occurs at a poorly conserved position in the protein, it is predicted to be benign by multiple in silico algorithms, and/or has population frequency not consistent with disease.